The following is an entry in ClinVar:

ClinVar aggregate classification (germline): Uncertain significance (1 of 4 stars; one submission).

Submission:

Labcorp Genetics (formerly Invitae), Labcorp
Classification: Uncertain significance. Last evaluated: 2025-01-06. Review status: criteria provided, single submitter. Criteria: Invitae Variant Classification Sherloc (09022015). Collection method: clinical testing. Allele origin: germline.
Comment: This sequence change replaces histidine, which is basic and polar, with arginine, which is basic and polar, at codon 395 of the USH1C protein (p.His395Arg). This variant is not present in population databases (gnomAD no frequency). This variant has not been reported in the literature in individuals affected with USH1C-related conditions. ClinVar contains an entry for this variant (Variation ID: 1713788). An algorithm developed to predict the effect of missense changes on protein structure and function (PolyPhen-2) suggests that this variant is likely to be tolerated. Algorithms developed to predict the effect of sequence changes on RNA splicing suggest that this variant may create or strengthen a splice site. In summary, the available evidence is currently insufficient to determine the role of this variant in disease. Therefore, it has been classified as a Variant of Uncertain Significance.

NM_153676.4(USH1C):c.1184A>G (p.His395Arg)

Gene: USH1C (USH1 protein network component harmonin; minus strand). Cytogenetic location: 11p15.1.
Variant type: single nucleotide variant.
Coding change: c.1184A>G on transcript NM_153676.4 (MANE Select); coding-DNA position 1184, A replaced by G.
Protein change: p.His395Arg; replaces histidine 395 with arginine.
Molecular consequence: missense variant. On other transcripts: non-coding transcript variant (1).
Genome position (GRCh38, 1-based): chr11:17,520,896, T>C on the plus strand (A>G on the coding strand, the complement: USH1C is on the minus strand). VCF-style: chr11-17520896-T-C. GRCh37 (hg19) VCF-style: chr11-17542443-T-C.
Other names: c.1127A>G, p.His376Arg (NM_001297764.2); c.1184A>G, p.His395Arg (NM_005709.4); short protein forms H376R, H395R.
Identifiers: ClinVar variation 1713788 (VCV001713788.5), dbSNP rs748321973, ClinGen allele CA379784281.